The following is an entry in ClinVar:

ClinVar aggregate classification (germline): Uncertain significance (1 of 4 stars; one submission).

Conditions:
Hereditary cancer-predisposing syndrome. Also called: Tumor predisposition; Hereditary neoplastic syndrome; Neoplastic Syndromes, Hereditary; Hereditary Cancer Syndrome. Identifiers: Orphanet 140162, MedGen C0027672, MeSH D009386, MONDO:0015356.

Submission:

Ambry Genetics
Classification: Uncertain significance for Hereditary cancer-predisposing syndrome. Last evaluated: 2025-06-04. Review status: criteria provided, single submitter. Criteria: Ambry Variant Classification Scheme 2023. Collection method: clinical testing. Allele origin: germline.
Comment: The p.F552L variant (also known as c.1656C>G), located in coding exon 11 of the FLCN gene, results from a C to G substitution at nucleotide position 1656. The phenylalanine at codon 552 is replaced by leucine, an amino acid with highly similar properties. This amino acid position is conserved. In addition, this alteration is predicted to be deleterious by in silico analysis. Based on the available evidence, the clinical significance of this variant remains unclear.

NM_144997.7(FLCN):c.1656C>G (p.Phe552Leu)

Gene: FLCN (folliculin; minus strand). Cytogenetic location: 17p11.2.
Variant type: single nucleotide variant.
Coding change: c.1656C>G on transcript NM_144997.7 (MANE Select); coding-DNA position 1656, C replaced by G.
Protein change: p.Phe552Leu; replaces phenylalanine 552 with leucine.
Molecular consequence: missense variant.
Genome position (GRCh38, 1-based): chr17:17,213,739, G>C on the plus strand (C>G on the coding strand, the complement: FLCN is on the minus strand). VCF-style: chr17-17213739-G-C. GRCh37 (hg19) VCF-style: chr17-17117053-G-C.
Other names: c.1710C>G, p.Phe570Leu (NM_001353229.2); c.1656C>G, p.Phe552Leu (NM_001353230.2, NM_001353231.2); short protein forms F570L, F552L.
Identifiers: ClinVar variation 4025325 (VCV004025325.1).
Genomic context (GRCh38, chr17:17,213,739, plus strand): 5'-GGGGCTGCGGACCGTGGACATGAGGTGTGACTTGTAGGTCTTGCTCAGGCCAGTCATCCA[G>C]AACTTCAGCAGCTTGACATTGTCCTCCTCGGACGCACCCAGGATGCTCAGCAGCTTCTGT-3'
Protein context (NP_659434.2, residues 542-562): SEEDNVKLLK[Phe552Leu]WMTGLSKTYK